The following is an entry in ClinVar:

ClinVar aggregate classification (germline): Uncertain significance (1 of 4 stars; one submission).

Conditions:
Hereditary cancer-predisposing syndrome. Also called: Hereditary Cancer Syndrome; Tumor predisposition; Hereditary neoplastic syndrome; Neoplastic Syndromes, Hereditary. Identifiers: Orphanet 140162, MedGen C0027672, MeSH D009386, MONDO:0015356.

gnomAD v4.1: 4 of 1,613,942 alleles (0.00025%); highest among the groups gnomAD compares: Non-Finnish European, 0.00034%; no homozygotes.

Submission:

Ambry Genetics
Classification: Uncertain significance for Hereditary cancer-predisposing syndrome. Last evaluated: 2024-06-24. Review status: criteria provided, single submitter. Criteria: Ambry Variant Classification Scheme 2023. Collection method: clinical testing. Allele origin: germline.
Comment: The p.F1524L variant (also known as c.4572T>G), located in coding exon 10 of the BRCA2 gene, results from a T to G substitution at nucleotide position 4572. The phenylalanine at codon 1524 is replaced by leucine, an amino acid with highly similar properties. This amino acid position is highly conserved in available vertebrate species. In addition, this alteration is predicted to be deleterious by in silico analysis. Based on the available evidence, the clinical significance of this variant remains unclear.

NM_000059.4(BRCA2):c.4572T>G (p.Phe1524Leu)

Gene: BRCA2 (BRCA2 DNA repair associated; plus strand). Cytogenetic location: 13q13.1.
Variant type: single nucleotide variant.
Coding change: c.4572T>G on transcript NM_000059.4 (MANE Select); coding-DNA position 4572, T replaced by G.
Protein change: p.Phe1524Leu; replaces phenylalanine 1524 with leucine.
Molecular consequence: missense variant. On other transcripts: non-coding transcript variant (1), intron variant (2).
Genome position (GRCh38, 1-based): chr13:32,338,927, T>G. VCF-style: chr13-32338927-T-G. GRCh37 (hg19) VCF-style: chr13-32913064-T-G.
Other names: c.4572T>G, p.Phe1524Leu (NM_001406719.1, NM_001406720.1); c.1909+5540T>G (NM_001406721.1); c.425-5631T>G (NM_001406722.1); short protein forms F1524L.
Identifiers: ClinVar variation 3261654 (VCV003261654.1).